The following is an entry in ClinVar:

NM_012062.5(DNM1L):c.610_614del (p.Asp204fs)

Gene: DNM1L (dynamin 1 like; plus strand). Cytogenetic location: 12p11.21.
Variant type: Deletion.
Coding change: c.610_614del on transcript NM_012062.5 (MANE Select); coding-DNA positions 610 to 614, 5 bases deleted (GATCC; older notation c.610_614delGATCC).
Protein change: p.Asp204fs; shifts the reading frame from aspartic acid 204.
Molecular consequence: frameshift variant. On other transcripts: intron variant (1).
Genome position (GRCh38, 1-based): chr12:32,713,362-32,713,366, GATCC deleted. VCF-style (leftmost placement, unchanged base first): chr12-32713361-AGATCC-A. GRCh37 (hg19) VCF-style: chr12-32866295-AGATCC-A.
Other names: c.610_614del (NM_012062.3); c.610_614del, p.Asp204fs (NM_001278463.2, NM_005690.5, NM_012063.4); c.649_653del, p.Asp217fs (NM_001278464.2, NM_001278465.2, NM_001330380.2); c.131+5949_131+5953del (NM_001278466.2); short protein forms D204fs, D217fs.
Identifiers: ClinVar variation 3668450 (VCV003668450.3).

ClinVar aggregate classification (germline): Conflicting classifications of pathogenicity. Review status: criteria provided, conflicting classifications (1 of 4 stars). 2 submissions from 2 submitters: Pathogenic (1); Uncertain significance (1). Last evaluated 2025-12-15.

Submissions (2):

Labcorp Genetics (formerly Invitae), Labcorp
Classification: Pathogenic. Last evaluated: 2025-12-15. Review status: criteria provided, single submitter. Criteria: Invitae Variant Classification Sherloc (09022015). Collection method: clinical testing. Allele origin: germline.
Comment: This sequence change creates a premature translational stop signal (p.Asp204Argfs*11) in the DNM1L gene. It is expected to result in an absent or disrupted protein product. Loss-of-function variants in DNM1L are known to be pathogenic (PMID: 26825290, 27328748). This variant is present in population databases (no rsID available, gnomAD 0.0009%). This variant has not been reported in the literature in individuals affected with DNM1L-related conditions. ClinVar contains an entry for this variant (Variation ID: 3668450). Algorithms developed to predict the effect of sequence changes on RNA splicing suggest that this variant may disrupt the consensus splice site. For these reasons, this variant has been classified as Pathogenic.

GeneDx
Classification: Uncertain significance. Last evaluated: 2024-11-24. Review status: criteria provided, single submitter. Criteria: GeneDx Variant Classification Process June 2021. Collection method: clinical testing. Allele origin: germline. Affected: yes.
Comment: Frameshift variant predicted to result in protein truncation or nonsense mediated decay in a gene for which loss of function is a known mechanism of disease; Has not been previously published as pathogenic or benign to our knowledge

Literature cited by the submitters: PubMed 26825290 (cited by Labcorp Genetics (formerly Invitae), Labcorp); PubMed 27328748 (cited by Labcorp Genetics (formerly Invitae), Labcorp).